The following is an entry in ClinVar:

ClinVar aggregate classification (germline): Pathogenic (1 of 4 stars; one submission).

Conditions:
Recessive dystrophic epidermolysis bullosa (RDEB). Also called: DYSTROPHIC EPIDERMOLYSIS BULLOSA, AUTOSOMAL RECESSIVE; EPIDERMOLYSIS BULLOSA DYSTROPHICA, HALLOPEAU-SIEMENS TYPE; Hallopeau-Siemens Disease; severe generalized recessive dystrophic epidermolysis bullosa; EPIDERMOLYSIS BULLOSA DYSTROPHICA, GENERALIZED SEVERE, AUTOSOMAL RECESSIVE; Epidermolysis Bullosa Distrophica Autosomal Recessive (RDEB). Identifiers: Orphanet 79408, Orphanet 79409, MedGen C0079474, MONDO:0009179, OMIM 226600.

Submission:

Myriad Genetics, Inc.
Classification: Pathogenic for Recessive dystrophic epidermolysis bullosa. Last evaluated: 2025-09-13. Review status: criteria provided, single submitter. Criteria: Myriad Autosomal Dominant, Autosomal Recessive and X-Linked Classification Criteria (2023). Collection method: clinical testing. Allele origin: unknown.
Comment: NM_000094.3(COL7A1):c.5803G>T(E1935*) is expected to be pathogenic in the context of dystrophic epidermolysis bullosa. This variant is predicted to lead to an abnormal or absent protein product due to the creation of a premature termination codon in COL7A1, a gene where loss-of-function variants are known to be pathogenic. Please note: this variant was assessed in the context of healthy population screening.

NM_000094.4(COL7A1):c.5803G>T (p.Glu1935Ter)

Gene: COL7A1 (collagen type VII alpha 1 chain; minus strand). Cytogenetic location: 3p21.31.
Variant type: single nucleotide variant.
Coding change: c.5803G>T on transcript NM_000094.4 (MANE Select); coding-DNA position 5803, G replaced by T.
Protein change: p.Glu1935Ter; replaces glutamic acid 1935 with a stop codon.
Molecular consequence: nonsense.
Genome position (GRCh38, 1-based): chr3:48,576,266, C>A on the plus strand (G>T on the coding strand, the complement: COL7A1 is on the minus strand). VCF-style: chr3-48576266-C-A. GRCh37 (hg19) VCF-style: chr3-48613699-C-A.
Other names: short protein forms E1935*.
Identifiers: ClinVar variation 5014973 (VCV005014973.1).